The following is an entry in ClinVar:

ClinVar aggregate classification (germline): Uncertain significance. Review status: criteria provided, multiple submitters, no conflicts (2 of 4 stars). 2 submissions from 2 submitters: Uncertain significance (2). Last evaluated 2025-12-24.

Conditions:
Autosomal dominant hypocalcemia 1 (HYPOC1). Also called: HYPOCALCEMIA, FAMILIAL. Identifiers: MedGen C3715128, MONDO:0011013, OMIM 601198.
Familial hypocalciuric hypercalcemia (FHH). Also called: Familial benign hypercalcemia. Identifiers: Orphanet 405, MedGen C1809471, MONDO:0018458.

Submissions (2):

Labcorp Genetics (formerly Invitae), Labcorp
Classification: Uncertain significance for Familial hypocalciuric hypercalcemia; Autosomal dominant hypocalcemia 1. Last evaluated: 2025-12-24. Review status: criteria provided, single submitter. Criteria: Invitae Variant Classification Sherloc (09022015). Collection method: clinical testing. Allele origin: germline.
Comment: This sequence change replaces glutamic acid, which is acidic and polar, with glutamine, which is neutral and polar, at codon 297 of the CASR protein (p.Glu297Gln). This variant is not present in population databases (gnomAD no frequency). This variant has not been reported in the literature in individuals affected with CASR-related conditions. ClinVar contains an entry for this variant (Variation ID: 1020201). An algorithm developed to predict the effect of missense changes on protein structure and function (PolyPhen-2) suggests that this variant is likely to be disruptive. Experimental studies have shown that this missense change affects CASR function (PMID: 15888439). This variant disrupts the p.Glu297 amino acid residue in CASR. Other variant(s) that disrupt this residue have been determined to be pathogenic (PMID: 7916660, 12095982, 12114500, 27434672). This suggests that this residue is clinically significant, and that variants that disrupt this residue are likely to be disease-causing. In summary, the available evidence is currently insufficient to determine the role of this variant in disease. Therefore, it has been classified as a Variant of Uncertain Significance.

Women's Health and Genetics/Laboratory Corporation of America, LabCorp
Classification: Uncertain significance. Last evaluated: 2024-12-24. Review status: criteria provided, single submitter. Criteria: LabCorp Variant Classification Summary - May 2015. Collection method: clinical testing. Allele origin: germline.
Comment: Variant summary: CASR c.889G>C (p.Glu297Gln) results in a conservative amino acid change located in the ligand-binding domain of the encoded protein sequence. Four of five in-silico tools predict a damaging effect of the variant on protein function. The variant was absent in 251232 control chromosomes. The available data on variant occurrences in the general population are insufficient to allow any conclusion about variant significance. To our knowledge, no occurrence of c.889G>C in individuals affected with Autosomal Dominant Hypocalcemia has been reported. One publication reports experimental evidence evaluating an impact on protein function, however, does not allow convincing conclusions about the variant effect (Mun_2005). The following publication have been ascertained in the context of this evaluation (PMID: 15888439). ClinVar contains an entry for this variant (Variation ID: 1020201). In addition, other variants affecting Glu297 have been reported (p.E297K, classified as pathogenic in ClinVar and p.E297D, classified as VUS in ClinVar). Based on the evidence outlined above, the variant was classified as VUS-possibly pathogenic.

Literature cited by the submitters: PubMed 15888439 (cited by Labcorp Genetics (formerly Invitae), Labcorp and Women's Health and Genetics/Laboratory Corporation of America, LabCorp); PubMed 7916660 (cited by Labcorp Genetics (formerly Invitae), Labcorp); PubMed 12095982 (cited by Labcorp Genetics (formerly Invitae), Labcorp); PubMed 12114500 (cited by Labcorp Genetics (formerly Invitae), Labcorp); PubMed 27434672 (cited by Labcorp Genetics (formerly Invitae), Labcorp).

NM_000388.4(CASR):c.889G>C (p.Glu297Gln)

Gene: CASR (calcium sensing receptor; plus strand). Cytogenetic location: 3q21.1.
Variant type: single nucleotide variant.
Coding change: c.889G>C on transcript NM_000388.4 (MANE Select); coding-DNA position 889, G replaced by C.
Protein change: p.Glu297Gln; replaces glutamic acid 297 with glutamine.
Molecular consequence: missense variant.
Genome position (GRCh38, 1-based): chr3:122,261,924, G>C. VCF-style: chr3-122261924-G-C. GRCh37 (hg19) VCF-style: chr3-121980771-G-C.
Other names: c.889G>C, p.Glu297Gln (NM_001178065.2); short protein forms E297Q.
Identifiers: ClinVar variation 1020201 (VCV001020201.10), dbSNP rs121909259, ClinGen allele CA354151569.